The following is an entry in ClinVar:

NM_015466.4(PTPN23):c.2568_2594del (p.Val857_Pro865del)

Gene: PTPN23 (protein tyrosine phosphatase non-receptor type 23; plus strand). Cytogenetic location: 3p21.31.
Variant type: Deletion.
Coding change: c.2568_2594del on transcript NM_015466.4 (MANE Select); coding-DNA positions 2568 to 2594, 27 bases deleted (AGTTGCAGGTCTCCCCTCGGCCCCACC).
Protein change: p.Val857_Pro865del.
Molecular consequence: inframe deletion.
Genome position (GRCh38, 1-based): chr3:47,410,366-47,410,392, AGTTGCAGGTCTCCCCTCGGCCCCACC deleted; deleting any 27 consecutive bases within chr3:47,410,356-47,410,392 gives the same sequence; the c. name uses the placement nearest the transcript's 3' end. VCF-style (leftmost placement, unchanged base first): chr3-47410355-CCGGCCCCACCAGTTGCAGGTCTCCCCT-C. GRCh37 (hg19) VCF-style: chr3-47451845-CCGGCCCCACCAGTTGCAGGTCTCCCCT-C.
Other names: c.2190_2216del, p.Val731_Pro739del (NM_001304482.2); c.2568_2594del27 (NM_015466.4).
Identifiers: ClinVar variation 636319 (VCV000636319.2), dbSNP rs779096974, ClinGen allele CA543043151.

ClinVar aggregate classification (germline): Pathogenic/Likely pathogenic. Review status: no assertion criteria provided (0 of 4 stars). 2 submissions from 2 submitters: Pathogenic (1); Likely pathogenic (1). Last evaluated 2020-05-28.

Conditions:
Brain atrophy. Identifiers: MedGen C4551584, HP:0012444.
Global developmental delay (DD). Also called: Cognitive delay. Identifiers: MedGen C0557874, HP:0001263. Disease mechanism: loss of function.
Neurodevelopmental disorder and structural brain anomalies with or without seizures and spasticity. Identifiers: MedGen C5394423, MONDO:0030046, OMIM 618890.

Submissions (2):

OMIM
Classification: Pathogenic for NEURODEVELOPMENTAL DISORDER AND STRUCTURAL BRAIN ANOMALIES WITH SEIZURES AND SPASTICITY. Last evaluated: 2020-05-28. Review status: no assertion criteria provided. Collection method: literature only. Allele origin: germline.

Regeneron Genetics Center, Regeneron
Classification: Likely pathogenic for Global developmental delay; Brain atrophy. Last evaluated: 2019-02-15. Review status: no assertion criteria provided. Collection method: research. Allele origin: germline. Affected: yes.
Comment: Identified in cohort of patients with neurodevelopmental disorder accompanied by structural brain abnormalities

Literature cited by the submitters: PubMed 31395947 (cited by OMIM).